The following is an entry in ClinVar:

NM_001292063.2(OTOG):c.432del (p.Gln145fs)

Gene: OTOG (otogelin; plus strand). Cytogenetic location: 11p15.1.
Variant type: Deletion.
Coding change: c.432del on transcript NM_001292063.2 (MANE Select); coding-DNA position 432, one base deleted (G; older notation c.432delG).
Protein change: p.Gln145fs; shifts the reading frame from glutamine 145.
Molecular consequence: frameshift variant.
Genome position (GRCh38, 1-based): chr11:17,553,411, G deleted; the last of 5 consecutive G bases (chr11:17,553,407-17,553,411); deleting any one gives the same sequence. VCF-style (leftmost placement, unchanged base first): chr11-17553406-TG-T. GRCh37 (hg19) VCF-style: chr11-17574953-TG-T.
Other names: p.Gln157Serfs*75; c.468del, p.Gln157fs (NM_001277269.2); c.468delG (NM_001277269.1); short protein forms Q145fs, Q157fs.
Identifiers: ClinVar variation 817689 (VCV000817689.7), dbSNP rs1393191930, ClinGen allele CA597904650.

ClinVar aggregate classification (germline): Pathogenic/Likely pathogenic. Review status: criteria provided, multiple submitters, no conflicts (2 of 4 stars). 3 submissions from 3 submitters: Pathogenic (2); Likely pathogenic (1). Last evaluated 2023-04-06.

Submissions (3):

Mayo Clinic Laboratories, Mayo Clinic
Classification: Likely pathogenic. Last evaluated: 2023-04-06. Review status: criteria provided, single submitter. Criteria: ACMG Guidelines, 2015. Collection method: clinical testing. Allele origin: germline. Observed: 1 variant allele.
Comment: PM2, PVS1

Labcorp Genetics (formerly Invitae), Labcorp
Classification: Pathogenic. Last evaluated: 2023-02-14. Review status: criteria provided, single submitter. Criteria: Invitae Variant Classification Sherloc (09022015). Collection method: clinical testing. Allele origin: germline.
Comment: For these reasons, this variant has been classified as Pathogenic. This sequence change creates a premature translational stop signal (p.Gln157Serfs*75) in the OTOG gene. It is expected to result in an absent or disrupted protein product. Loss-of-function variants in OTOG are known to be pathogenic (PMID: 23122587). The frequency data for this variant in the population databases is considered unreliable, as metrics indicate poor data quality at this position in the gnomAD database. This variant has not been reported in the literature in individuals affected with OTOG-related conditions. ClinVar contains an entry for this variant (Variation ID: 817689).

GeneDx
Classification: Pathogenic. Last evaluated: 2021-09-13. Review status: criteria provided, single submitter. Criteria: GeneDx Variant Classification Process June 2021. Collection method: clinical testing. Allele origin: germline. Affected: yes.
Comment: Frameshift variant predicted to result in protein truncation or nonsense mediated decay in a gene for which loss-of-function is a known mechanism of disease; Not observed at significant frequency in large population cohorts (Lek et al., 2016); Has not been previously published as pathogenic or benign to our knowledge

Literature cited by the submitters: PubMed 23122587 (cited by Labcorp Genetics (formerly Invitae), Labcorp).